The following is an entry in ClinVar:

NM_000285.4(PEPD):c.698G>A (p.Arg233Gln)

Gene: PEPD (peptidase D; minus strand). Cytogenetic location: 19q13.11.
Variant type: single nucleotide variant.
Coding change: c.698G>A on transcript NM_000285.4 (MANE Select); coding-DNA position 698, G replaced by A.
Protein change: p.Arg233Gln; replaces arginine 233 with glutamine.
Molecular consequence: missense variant.
Genome position (GRCh38, 1-based): chr19:33,413,617, C>T on the plus strand (G>A on the coding strand, the complement: PEPD is on the minus strand). VCF-style: chr19-33413617-C-T. GRCh37 (hg19) VCF-style: chr19-33904523-C-T.
Other names: c.575G>A, p.Arg192Gln (NM_001166056.2); c.506G>A, p.Arg169Gln (NM_001166057.2); c.698G>A (NM_000285.3); short protein forms R169Q, R192Q, R233Q.
Identifiers: ClinVar variation 2155568 (VCV002155568.3), dbSNP rs754870554, ClinGen allele CA9364181.

ClinVar aggregate classification (germline): Uncertain significance. Review status: criteria provided, multiple submitters, no conflicts (2 of 4 stars). 2 submissions from 2 submitters: Uncertain significance (2). Last evaluated 2025-08-20.

Conditions:
Inborn genetic diseases. Identifiers: MedGen C0950123, MeSH D030342.

Allele frequency attached by ClinVar (database versions not stated): gnomAD 0.00001; TOPMed 0.00002; gnomAD exomes 0.00005; ExAC 0.00006.
gnomAD v4.1: 68 of 1,588,780 alleles (0.0043%); highest among the groups gnomAD compares: South Asian, 0.011%; no homozygotes.

Submissions (2):

Ambry Genetics
Classification: Uncertain significance for Inborn genetic diseases. Last evaluated: 2025-08-20. Review status: criteria provided, single submitter. Criteria: Ambry Variant Classification Scheme 2023. Collection method: clinical testing. Allele origin: germline.

Labcorp Genetics (formerly Invitae), Labcorp
Classification: Uncertain significance. Last evaluated: 2024-11-05. Review status: criteria provided, single submitter. Criteria: Invitae Variant Classification Sherloc (09022015). Collection method: clinical testing. Allele origin: germline.
Comment: This sequence change replaces arginine, which is basic and polar, with glutamine, which is neutral and polar, at codon 233 of the PEPD protein (p.Arg233Gln). The frequency data for this variant in the population databases is considered unreliable, as metrics indicate poor data quality at this position in the gnomAD database. This variant has not been reported in the literature in individuals affected with PEPD-related conditions. ClinVar contains an entry for this variant (Variation ID: 2155568). Invitae Evidence Modeling of protein sequence and biophysical properties (such as structural, functional, and spatial information, amino acid conservation, physicochemical variation, residue mobility, and thermodynamic stability) indicates that this missense variant is not expected to disrupt PEPD protein function with a negative predictive value of 95%. In summary, the available evidence is currently insufficient to determine the role of this variant in disease. Therefore, it has been classified as a Variant of Uncertain Significance.